The following is an entry in ClinVar:

NM_001163435.3(TBCK):c.1855C>G (p.Pro619Ala)

Gene: TBCK (TBC1 domain containing kinase; minus strand). Cytogenetic location: 4q24.
Variant type: single nucleotide variant.
Coding change: c.1855C>G on transcript NM_001163435.3 (MANE Select); coding-DNA position 1855, C replaced by G.
Protein change: p.Pro619Ala; replaces proline 619 with alanine.
Molecular consequence: missense variant.
Genome position (GRCh38, 1-based): chr4:106,212,755, G>C on the plus strand (C>G on the coding strand, the complement: TBCK is on the minus strand). VCF-style: chr4-106212755-G-C. GRCh37 (hg19) VCF-style: chr4-107133912-G-C.
Other names: c.1855C>G (NM_001163435.1); c.1855C>G, p.Pro619Ala (NM_001163436.4); c.1738C>G, p.Pro580Ala (NM_001163437.3); c.1339C>G, p.Pro447Ala (NM_001290768.2); c.1666C>G, p.Pro556Ala (NM_033115.5); short protein forms P447A, P580A, P619A, P556A.
Identifiers: ClinVar variation 1423274 (VCV001423274.6), dbSNP rs771127894, ClinGen allele CA3034916.

ClinVar aggregate classification (germline): Uncertain significance. Review status: criteria provided, multiple submitters, no conflicts (2 of 4 stars). 3 submissions from 3 submitters: Uncertain significance (3). Last evaluated 2024-01-04.

Conditions:
Inborn genetic diseases. Identifiers: MedGen C0950123, MeSH D030342.

Allele frequency attached by ClinVar (database versions not stated): ExAC 0.00001; gnomAD 0.00001; TOPMed 0.00003; gnomAD exomes 0.00004 and 0.00011.
gnomAD v4.1: 161 of 1,603,720 alleles (0.01%); highest among the groups gnomAD compares: Non-Finnish European, 0.013%; no homozygotes.

Submissions (3):

Ambry Genetics
Classification: Uncertain significance for Inborn genetic diseases. Last evaluated: 2024-01-04. Review status: criteria provided, single submitter. Criteria: Ambry Variant Classification Scheme 2023. Collection method: clinical testing. Allele origin: germline.

Labcorp Genetics (formerly Invitae), Labcorp
Classification: Uncertain significance. Last evaluated: 2023-06-29. Review status: criteria provided, single submitter. Criteria: Invitae Variant Classification Sherloc (09022015). Collection method: clinical testing. Allele origin: germline.
Comment: In summary, the available evidence is currently insufficient to determine the role of this variant in disease. Therefore, it has been classified as a Variant of Uncertain Significance. Advanced modeling of protein sequence and biophysical properties (such as structural, functional, and spatial information, amino acid conservation, physicochemical variation, residue mobility, and thermodynamic stability) performed at Invitae indicates that this missense variant is expected to disrupt TBCK protein function. ClinVar contains an entry for this variant (Variation ID: 1423274). This variant has not been reported in the literature in individuals affected with TBCK-related conditions. This variant is present in population databases (rs771127894, gnomAD 0.007%). This sequence change replaces proline, which is neutral and non-polar, with alanine, which is neutral and non-polar, at codon 619 of the TBCK protein (p.Pro619Ala).

Blueprint Genetics
Classification: Uncertain significance. Last evaluated: 2022-07-19. Review status: criteria provided, single submitter. Criteria: ACMG Guidelines, 2015. Collection method: clinical testing. Allele origin: germline.